The following is an entry in ClinVar:

NM_001267550.2(TTN):c.95409C>T (p.Asn31803=)

Genes: TTN (titin; minus strand), TTN-AS1 (TTN antisense RNA 1; plus strand). Cytogenetic location: 2q31.2.
Variant type: single nucleotide variant.
Coding change: c.95409C>T on transcript NM_001267550.2 (MANE Select); coding-DNA position 95409, C replaced by T.
Protein change: p.Asn31803=; no amino-acid change (asparagine 31803 retained).
Molecular consequence: synonymous variant.
Genome position (GRCh38, 1-based): chr2:178,545,827, G>A on the plus strand (C>T on the coding strand, the complement: TTN is on the minus strand). VCF-style: chr2-178545827-G-A. GRCh37 (hg19) VCF-style: chr2-179410554-G-A.
Other names: c.87705C>T, p.Asn29235= (NM_133378.4); c.90486C>T, p.Asn30162= (NM_001256850.1); c.68214C>T, p.Asn22738= (NM_003319.4); c.68589C>T, p.Asn22863= (NM_133432.3); c.68790C>T, p.Asn22930= (NM_133437.4).
Identifiers: ClinVar variation 179671 (VCV000179671.9), dbSNP rs727505040, ClinGen allele CA184898.

ClinVar aggregate classification (germline): Likely benign. Review status: criteria provided, multiple submitters, no conflicts (2 of 4 stars). 3 submissions from 3 submitters: Likely benign (3). Last evaluated 2026-04-09.

Conditions:
Cardiovascular phenotype. Identifiers: MedGen CN230736.
Dilated cardiomyopathy 1G (CMD1G). Identifiers: Orphanet 154, MedGen C1858763, MONDO:0011400, OMIM 604145.
Autosomal recessive limb-girdle muscular dystrophy type 2J (LGMDR10). Also called: Limb-girdle muscular dystrophy, type 2J; MUSCULAR DYSTROPHY, LIMB-GIRDLE, AUTOSOMAL RECESSIVE 10. Identifiers: Orphanet 140922, MedGen C1837342, MONDO:0012127, OMIM 608807.

Allele frequency attached by ClinVar (database versions not stated): gnomAD 0.00002; gnomAD exomes below 0.00001; TOPMed 0.00001.
gnomAD v4.1: 8 of 1,613,056 alleles (0.0005%); highest among the groups gnomAD compares: Admixed American, 0.0033%; no homozygotes.

Submissions (3):

Ambry Genetics
Classification: Likely benign for Cardiovascular phenotype. Last evaluated: 2026-04-09. Review status: criteria provided, single submitter. Criteria: Ambry Variant Classification Scheme 2023. Collection method: clinical testing. Allele origin: germline.

Labcorp Genetics (formerly Invitae), Labcorp
Classification: Likely benign for Dilated cardiomyopathy 1G; Autosomal recessive limb-girdle muscular dystrophy type 2J. Last evaluated: 2023-12-14. Review status: criteria provided, single submitter. Criteria: Invitae Variant Classification Sherloc (09022015). Collection method: clinical testing. Allele origin: germline.

Laboratory for Molecular Medicine, Mass General Brigham Personalized Medicine
Classification: Likely benign. Last evaluated: 2014-04-09. Review status: criteria provided, single submitter. Criteria: LMM Criteria. Collection method: clinical testing. Allele origin: germline. Observed: 1 variant allele.
Comment: Asn29235Asn in exon 292 of TTN: This variant is not expected to have clinical si gnificance because it does not alter an amino acid residue and is not located wi thin the splice consensus sequence.